The following is an entry in ClinVar:

NM_178857.6(RP1L1):c.5551G>A (p.Val1851Ile)

Gene: RP1L1 (RP1 like 1). Cytogenetic location: 8p23.1.
Variant type: single nucleotide variant.
Coding change: c.5551G>A on transcript NM_178857.6 (MANE Select); coding-DNA position 5551, G replaced by A.
Protein change: p.Val1851Ile; replaces valine 1851 with isoleucine.
Molecular consequence: missense variant.
Genome position (GRCh38, 1-based): chr8:10,608,547, C>T on the plus strand (G>A on the coding strand, the complement: RP1L1 is on the minus strand). VCF-style: chr8-10608547-C-T. GRCh37 (hg19) VCF-style: chr8-10466057-C-T.
Other names: short protein forms V1851I.
Identifiers: ClinVar variation 5038950 (VCV005038950.1).
Genomic context (GRCh38, chr8:10,608,547, plus strand): 5'-ACTCTGGCTGGGCCTCCCCTTCAGCCTCCTGGGCATCCCCTTCTGCCTCTGGGGCCTCTA[C>T]ACCTTCTGACTCTGGCTGGGCCTCCCCTTCAGCCTCCGGGGCCTCTATGCCTTCGGCCCC-3'
Protein context (NP_849188.4, residues 1841-1861): EGEAQPESEG[Val1851Ile]EAPEAEGDAQ

ClinVar aggregate classification (germline): Likely benign (1 of 4 stars; one submission).

Submission:

CeGaT Center for Human Genetics Tuebingen
Classification: Likely benign. Last evaluated: 2026-07-01. Review status: criteria provided, single submitter. Criteria: CeGaT Center For Human Genetics Tuebingen Variant Classification Criteria Version 2. Collection method: clinical testing. Allele origin: germline. Affected: yes. Observed: 1 variant allele.
Comment: RP1L1: BP4